The following is an entry in ClinVar:

NM_001715.3(BLK):c.473-7C>T

Genes: BLK (BLK proto-oncogene, Src family tyrosine kinase), BLK-AS1 (BLK antisense RNA 1). Cytogenetic location: 8p23.1.
Variant type: single nucleotide variant.
Coding change: c.473-7C>T on transcript NM_001715.3 (MANE Select); 7 bases into the intron before coding-DNA position 473, C replaced by T.
Molecular consequence: intron variant.
Genome position (GRCh38, 1-based): chr8:11,554,736, C>T. VCF-style: chr8-11554736-C-T. GRCh37 (hg19) VCF-style: chr8-11412245-C-T.
Other names: c.260-7C>T (NM_001330465.2).
Identifiers: ClinVar variation 1722376 (VCV001722376.3), dbSNP rs200091252, ClinGen allele CA4629927.
Genomic context (GRCh38, chr8:11,554,736, plus strand): 5'-CCAAATCCCAGTCCCGTTTTTTGTCTTTGTGCCTTACTTCTCGTGTGTGTCTTCATGAAC[C>T]CTCCAGGTGCCTTCTCCCTGTCTGTGAAGGATGTCACCACCCAGGGGGAGCTGATCAAGC-3'

ClinVar aggregate classification (germline): Benign (1 of 4 stars; one submission).

gnomAD v4.1: 94 of 1,612,934 alleles (0.0058%); highest among the groups gnomAD compares: Non-Finnish European, 0.0077%; no homozygotes.

Submission:

Women's Health and Genetics/Laboratory Corporation of America, LabCorp
Classification: Benign. Last evaluated: 2025-04-22. Review status: criteria provided, single submitter. Criteria: LabCorp Variant Classification Summary - May 2015. Collection method: clinical testing. Allele origin: germline.
Comment: Variant summary: BLK c.473-7C>T alters a nucleotide located at a position not widely known to affect splicing. Consensus agreement among computation tools predict no significant impact on normal splicing. However, these predictions have yet to be confirmed by functional studies. The variant allele was found at a frequency of 0.00011 in 249532 control chromosomes, predominantly at a frequency of 0.00024 within the Non-Finnish European subpopulation in the gnomAD database. The observed variant frequency within Non-Finnish European control individuals in the gnomAD database is approximately 1584 fold of the estimated maximal expected allele frequency for a pathogenic variant in BLK causing Monogenic Diabetes phenotype (1.5e-07). To our knowledge, no occurrence of c.473-7C>T in individuals affected with Monogenic Diabetes and no experimental evidence demonstrating its impact on protein function have been reported. ClinVar contains an entry for this variant (Variation ID: 1722376). Based on the evidence outlined above, the variant was classified as benign.